The following is an entry in ClinVar:

NM_021100.5(NFS1):c.613G>A (p.Val205Met)

Gene: NFS1 (NFS1 cysteine desulfurase; minus strand). Cytogenetic location: 20q11.22.
Variant type: single nucleotide variant.
Coding change: c.613G>A on transcript NM_021100.5 (MANE Select); coding-DNA position 613, G replaced by A.
Protein change: p.Val205Met; replaces valine 205 with methionine.
Molecular consequence: missense variant. On other transcripts: non-coding transcript variant (1).
Genome position (GRCh38, 1-based): chr20:35,681,930, C>T on the plus strand (G>A on the coding strand, the complement: NFS1 is on the minus strand). VCF-style: chr20-35681930-C-T. GRCh37 (hg19) VCF-style: chr20-34269852-C-T.
Other names: c.460G>A, p.Val154Met (NM_001198989.2); c.613G>A (NM_021100.4); short protein forms V154M, V205M.
Identifiers: ClinVar variation 1911610 (VCV001911610.3), dbSNP rs137871264, ClinGen allele CA9837196.
Genomic context (GRCh38, chr20:35,681,930, plus strand): 5'-ATAAGCCATGATACTCACCTATTTCTGCAATAGGCTGCTTCACTCCAATCTCATTGTTCA[C>T]AGTCATGACTGACACCAGGCTAGTATCTGGCTGGATAGCAGCCTCTAGTTCCTAGGGATA-3'
Protein context (NP_066923.3, residues 195-215): PDTSLVSVMT[Val205Met]NNEIGVKQPI

ClinVar aggregate classification (germline): Uncertain significance. Review status: criteria provided, multiple submitters, no conflicts (2 of 4 stars). 2 submissions from 2 submitters: Uncertain significance (2). Last evaluated 2024-08-20.

Allele frequency attached by ClinVar (database versions not stated): gnomAD exomes 0.00002; ExAC 0.00005; TOPMed 0.00011; gnomAD 0.00015; ESP Exome Variant Server 0.00038.

Submissions (2):

Ambry Genetics
Classification: Uncertain significance. Last evaluated: 2024-08-20. Review status: criteria provided, single submitter. Criteria: Ambry Variant Classification Scheme 2023. Collection method: clinical testing. Allele origin: germline.

Labcorp Genetics (formerly Invitae), Labcorp
Classification: Uncertain significance. Last evaluated: 2022-07-27. Review status: criteria provided, single submitter. Criteria: Invitae Variant Classification Sherloc (09022015). Collection method: clinical testing. Allele origin: germline.
Comment: This sequence change replaces valine, which is neutral and non-polar, with methionine, which is neutral and non-polar, at codon 205 of the NFS1 protein (p.Val205Met). This variant is present in population databases (rs137871264, gnomAD 0.05%). This variant has not been reported in the literature in individuals affected with NFS1-related conditions. Algorithms developed to predict the effect of missense changes on protein structure and function are either unavailable or do not agree on the potential impact of this missense change (SIFT: "Deleterious"; PolyPhen-2: "Probably Damaging"; Align-GVGD: "Class C0"). In summary, the available evidence is currently insufficient to determine the role of this variant in disease. Therefore, it has been classified as a Variant of Uncertain Significance.